The following is an entry in ClinVar:

NM_000399.5(EGR2):c.201G>C (p.Glu67Asp)

Gene: EGR2 (early growth response 2; minus strand). Cytogenetic location: 10q21.3.
Variant type: single nucleotide variant.
Coding change: c.201G>C on transcript NM_000399.5 (MANE Select); coding-DNA position 201, G replaced by C.
Protein change: p.Glu67Asp; replaces glutamic acid 67 with aspartic acid.
Molecular consequence: missense variant.
Genome position (GRCh38, 1-based): chr10:62,814,437, C>G on the plus strand (G>C on the coding strand, the complement: EGR2 is on the minus strand). VCF-style: chr10-62814437-C-G. GRCh37 (hg19) VCF-style: chr10-64574197-C-G.
Other names: c.201G>C, p.Glu67Asp (NM_001136177.3, NM_001136178.2); c.51G>C, p.Glu17Asp (NM_001136179.3, NM_001321037.2); c.240G>C, p.Glu80Asp (NM_001410931.1); short protein forms E17D, E80D, E67D.
Identifiers: ClinVar variation 3715912 (VCV003715912.2).

ClinVar aggregate classification (germline): Uncertain significance (1 of 4 stars; one submission).

Conditions:
Charcot-Marie-Tooth disease, type I (CMT1). Also called: Charcot-Marie-Tooth disease type 1; Charcot-Marie-Tooth, Type 1. Identifiers: Orphanet 65753, MedGen C0751036, MONDO:0019011.

gnomAD v4.1: 24 of 1,614,134 alleles (0.0015%); highest among the groups gnomAD compares: Non-Finnish European, 0.002%; no homozygotes.

Submission:

Labcorp Genetics (formerly Invitae), Labcorp
Classification: Uncertain significance for Charcot-Marie-Tooth disease, type I. Last evaluated: 2024-10-01. Review status: criteria provided, single submitter. Criteria: Invitae Variant Classification Sherloc (09022015). Collection method: clinical testing. Allele origin: germline.
Comment: This sequence change replaces glutamic acid, which is acidic and polar, with aspartic acid, which is acidic and polar, at codon 67 of the EGR2 protein (p.Glu67Asp). This variant is not present in population databases (gnomAD no frequency). This variant has not been reported in the literature in individuals affected with EGR2-related conditions. Invitae Evidence Modeling of protein sequence and biophysical properties (such as structural, functional, and spatial information, amino acid conservation, physicochemical variation, residue mobility, and thermodynamic stability) indicates that this missense variant is not expected to disrupt EGR2 protein function with a negative predictive value of 80%. In summary, the available evidence is currently insufficient to determine the role of this variant in disease. Therefore, it has been classified as a Variant of Uncertain Significance.